The following is an entry in ClinVar:

NM_003743.5(NCOA1):c.1112T>C (p.Leu371Pro)

Gene: NCOA1 (nuclear receptor coactivator 1; plus strand). Cytogenetic location: 2p23.3.
Variant type: single nucleotide variant.
Coding change: c.1112T>C on transcript NM_003743.5 (MANE Select); coding-DNA position 1112, T replaced by C.
Protein change: p.Leu371Pro; replaces leucine 371 with proline.
Molecular consequence: missense variant.
Genome position (GRCh38, 1-based): chr2:24,706,582, T>C. VCF-style: chr2-24706582-T-C. GRCh37 (hg19) VCF-style: chr2-24929451-T-C.
Other names: c.1112T>C, p.Leu371Pro (NM_001362950.1, NM_001362952.1, NM_001362954.1 and 3 more transcripts); short protein forms L371P.
Identifiers: ClinVar variation 3348731 (VCV003348731.1).
Genomic context (GRCh38, chr2:24,706,582, plus strand): 5'-AGAAACAAATGAAGATGTTTGAATAATAATGTCTTTTTCCCCCTAGGGAGCACAGTGGGC[T>C]TTCTCCTCAAGATGACACTAATTCTGGAATGTCAATTCCCCGAGTAAATCCCTCGGTCAA-3'
Protein context (NP_003734.3, residues 361-381): IHIIDREHSG[Leu371Pro]SPQDDTNSGM

ClinVar aggregate classification (germline): Uncertain significance (0 of 4 stars; one submission).

Conditions:
NCOA1-related disorder. Also called: NCOA1-related condition.

gnomAD v4.1: 2 of 1,610,292 alleles (0.00012%); highest among the groups gnomAD compares: Non-Finnish European, 0.00017%; no homozygotes.

Submission:

PreventionGenetics, part of Exact Sciences
Classification: Uncertain significance for NCOA1-related condition. Last evaluated: 2024-04-03. Review status: no assertion criteria provided. Collection method: clinical testing. Allele origin: germline.
Comment: The NCOA1 c.1112T>C variant is predicted to result in the amino acid substitution p.Leu371Pro. To our knowledge, this variant has not been reported in the literature. This variant is reported in 0.00089% of alleles in individuals of European (Non-Finnish) descent in gnomAD. At this time, the clinical significance of this variant is uncertain due to the absence of conclusive functional and genetic evidence.